The following is an entry in ClinVar:

NM_006904.7(PRKDC):c.6473G>A (p.Arg2158His)

Gene: PRKDC (protein kinase, DNA-activated, catalytic subunit; minus strand). Cytogenetic location: 8q11.21.
Variant type: single nucleotide variant.
Coding change: c.6473G>A on transcript NM_006904.7 (MANE Select); coding-DNA position 6473, G replaced by A.
Protein change: p.Arg2158His; replaces arginine 2158 with histidine.
Molecular consequence: missense variant.
Genome position (GRCh38, 1-based): chr8:47,857,292, C>T on the plus strand (G>A on the coding strand, the complement: PRKDC is on the minus strand). VCF-style: chr8-47857292-C-T. GRCh37 (hg19) VCF-style: chr8-48769853-C-T.
Other names: c.6473G>A, p.Arg2158His (NM_001081640.2); short protein forms R2158H.
Identifiers: ClinVar variation 1020076 (VCV001020076.8), dbSNP rs533209802, ClinGen allele CA4740334.

ClinVar aggregate classification (germline): Uncertain significance. Review status: criteria provided, multiple submitters, no conflicts (2 of 4 stars). 2 submissions from 2 submitters: Uncertain significance (2). Last evaluated 2024-11-06.

Conditions:
Severe combined immunodeficiency due to DNA-PKcs deficiency. Also called: IMMUNODEFICIENCY 26 WITH NEUROLOGIC ABNORMALITIES; Immunodeficiency 26 with or without neurologic abnormalities. Identifiers: Orphanet 317425, MedGen C4014833, MONDO:0014423, OMIM 615966.

Allele frequency attached by ClinVar (database versions not stated): gnomAD 0.00001 and 0.00002; ExAC 0.00003; gnomAD exomes 0.00003 and 0.00007; TOPMed 0.00003; 1000 Genomes Project 0.00020; 1000 Genomes Project 30x 0.00031.
gnomAD v4.1: 100 of 1,609,130 alleles (0.0062%); highest among the groups gnomAD compares: South Asian, 0.0078%; no homozygotes.

Submissions (2):

Blueprint Genetics
Classification: Uncertain significance. Last evaluated: 2024-11-06. Review status: criteria provided, single submitter. Criteria: ACMG Guidelines, 2015. Collection method: clinical testing. Allele origin: germline.

Labcorp Genetics (formerly Invitae), Labcorp
Classification: Uncertain significance for Severe combined immunodeficiency due to DNA-PKcs deficiency. Last evaluated: 2022-10-29. Review status: criteria provided, single submitter. Criteria: Invitae Variant Classification Sherloc (09022015). Collection method: clinical testing. Allele origin: germline.
Comment: This variant is present in population databases (rs533209802, gnomAD 0.01%). This sequence change replaces arginine, which is basic and polar, with histidine, which is basic and polar, at codon 2158 of the PRKDC protein (p.Arg2158His). In summary, the available evidence is currently insufficient to determine the role of this variant in disease. Therefore, it has been classified as a Variant of Uncertain Significance. Advanced modeling of protein sequence and biophysical properties (such as structural, functional, and spatial information, amino acid conservation, physicochemical variation, residue mobility, and thermodynamic stability) performed at Invitae indicates that this missense variant is expected to disrupt PRKDC protein function. ClinVar contains an entry for this variant (Variation ID: 1020076). This variant has not been reported in the literature in individuals affected with PRKDC-related conditions.